The following is an entry in ClinVar:

NM_014629.4(ARHGEF10):c.2678C>T (p.Thr893Met)

Gene: ARHGEF10 (Rho guanine nucleotide exchange factor 10; plus strand). Cytogenetic location: 8p23.3.
Variant type: single nucleotide variant.
Coding change: c.2678C>T on transcript NM_014629.4 (MANE Select); coding-DNA position 2678, C replaced by T.
Protein change: p.Thr893Met; replaces threonine 893 with methionine.
Molecular consequence: missense variant.
Genome position (GRCh38, 1-based): chr8:1,926,444, C>T. VCF-style: chr8-1926444-C-T. GRCh37 (hg19) VCF-style: chr8-1874610-C-T.
Other names: c.2564C>T, p.Thr855Met (NM_001308152.2, NM_001438094.1); c.2678C>T, p.Thr893Met (NM_001308153.3); c.2681C>T, p.Thr894Met (NM_001438091.1); c.2561C>T, p.Thr854Met (NM_001438092.1, NM_001438093.1); short protein forms T854M, T855M, T894M, T893M, T917M.
Identifiers: ClinVar variation 4752476 (VCV004752476.1).

ClinVar aggregate classification (germline): Uncertain significance (1 of 4 stars; one submission).

gnomAD v4.1: 50 of 1,613,914 alleles (0.0031%); highest among the groups gnomAD compares: Non-Finnish European, 0.0039%; no homozygotes.

Submission:

Labcorp Genetics (formerly Invitae), Labcorp
Classification: Uncertain significance. Last evaluated: 2025-09-16. Review status: criteria provided, single submitter. Criteria: Invitae Variant Classification Sherloc (09022015). Collection method: clinical testing. Allele origin: germline.
Comment: This sequence change replaces threonine, which is neutral and polar, with methionine, which is neutral and non-polar, at codon 893 of the ARHGEF10 protein (p.Thr893Met). This variant is present in population databases (rs768971197, gnomAD 0.006%). This variant has not been reported in the literature in individuals affected with ARHGEF10-related conditions. Invitae Evidence Modeling of protein sequence and biophysical properties (such as structural, functional, and spatial information, amino acid conservation, physicochemical variation, residue mobility, and thermodynamic stability) indicates that this missense variant is not expected to disrupt ARHGEF10 protein function with a negative predictive value of 80%. Algorithms developed to predict the effect of sequence changes on RNA splicing suggest that this variant may disrupt the consensus splice site. In summary, the available evidence is currently insufficient to determine the role of this variant in disease. Therefore, it has been classified as a Variant of Uncertain Significance.